The following is an entry in ClinVar:

NM_023110.3(FGFR1):c.302G>T (p.Cys101Phe)

Gene: FGFR1 (fibroblast growth factor receptor 1; minus strand). Cytogenetic location: 8p11.23.
Variant type: single nucleotide variant.
Coding change: c.302G>T on transcript NM_023110.3 (MANE Select); coding-DNA position 302, G replaced by T.
Protein change: p.Cys101Phe; replaces cysteine 101 with phenylalanine.
Molecular consequence: missense variant. On other transcripts: intron variant (5).
Genome position (GRCh38, 1-based): chr8:38,429,738, C>A on the plus strand (G>T on the coding strand, the complement: FGFR1 is on the minus strand). VCF-style: chr8-38429738-C-A. GRCh37 (hg19) VCF-style: chr8-38287256-C-A.
Other names: c.302G>T, p.Cys101Phe (NM_000604.2, NM_001174063.2, NM_001174065.2 and 4 more transcripts); c.278G>T, p.Cys93Phe (NM_001174064.2); c.401G>T, p.Cys134Phe (NM_001174067.2); c.92-1303G>T (NM_001354368.2, NM_001354370.2, NM_023106.3 and 2 more transcripts); short protein forms C93F, C101F, C134F.
Identifiers: ClinVar variation 2136661 (VCV002136661.4), dbSNP rs2537260821, ClinGen allele CA370736242.

ClinVar aggregate classification (germline): Pathogenic (1 of 4 stars; one submission).

Conditions:
Hypogonadotropic hypogonadism 2 with or without anosmia (HH2). Also called: HYPOGONADOTROPIC HYPOGONADISM 2 WITH OR WITHOUT ANOSMIA, SUSCEPTIBILITY TO; HYPOGONADOTROPIC HYPOGONADISM 2 WITHOUT ANOSMIA, SUSCEPTIBILITY TO; FGFR1-Related GnRH Deficiency (Kallmann Syndrome 2); HYPOGONADOTROPIC HYPOGONADISM 2 WITHOUT ANOSMIA. Identifiers: Orphanet 478, MedGen C1563720, MONDO:0007844, OMIM 147950. Disease mechanism: loss of function.
Pfeiffer syndrome (ACS5). Also called: ACS V. Identifiers: Orphanet 710, MedGen C0220658, MONDO:0007043, OMIM 101600.

Submission:

Labcorp Genetics (formerly Invitae), Labcorp
Classification: Pathogenic for Pfeiffer syndrome; Hypogonadotropic hypogonadism 2 with or without anosmia. Last evaluated: 2022-10-12. Review status: criteria provided, single submitter. Criteria: Invitae Variant Classification Sherloc (09022015). Collection method: clinical testing. Allele origin: germline.
Comment: This sequence change replaces cysteine, which is neutral and slightly polar, with phenylalanine, which is neutral and non-polar, at codon 101 of the FGFR1 protein (p.Cys101Phe). For these reasons, this variant has been classified as Pathogenic. This variant disrupts the p.Cys101 amino acid residue in FGFR1. Other variant(s) that disrupt this residue have been observed in individuals with FGFR1-related conditions (PMID: 22035731), which suggests that this may be a clinically significant amino acid residue. Advanced modeling of protein sequence and biophysical properties (such as structural, functional, and spatial information, amino acid conservation, physicochemical variation, residue mobility, and thermodynamic stability) performed at Invitae indicates that this missense variant is expected to disrupt FGFR1 protein function. This missense change has been observed in individual(s) with autosomal dominant Kallmann syndrome (PMID: 17154279). In at least one individual the variant was observed to be de novo. This variant is not present in population databases (gnomAD no frequency).

Literature cited by the submitters: PubMed 22035731; PubMed 17154279.